The following is an entry in ClinVar:

NM_006397.3(RNASEH2A):c.592A>G (p.Lys198Glu)

Gene: RNASEH2A (ribonuclease H2 subunit A; plus strand). Cytogenetic location: 19p13.13.
Variant type: single nucleotide variant.
Coding change: c.592A>G on transcript NM_006397.3 (MANE Select); coding-DNA position 592, A replaced by G.
Protein change: p.Lys198Glu; replaces lysine 198 with glutamic acid.
Molecular consequence: missense variant.
Genome position (GRCh38, 1-based): chr19:12,810,359, A>G. VCF-style: chr19-12810359-A-G. GRCh37 (hg19) VCF-style: chr19-12921173-A-G.
Other names: short protein forms K198E.
Identifiers: ClinVar variation 1364975 (VCV001364975.8), dbSNP rs2145827897, ClinGen allele CA404267649.

ClinVar aggregate classification (germline): Uncertain significance (1 of 4 stars; one submission).

Conditions:
Aicardi-Goutieres syndrome 4. Identifiers: Orphanet 51, MedGen C1835912, MONDO:0012472, OMIM 610333.

Allele frequency attached by ClinVar (database versions not stated): gnomAD exomes below 0.00001.
gnomAD v4.1: 1 of 1,614,146 alleles (0.000062%); highest among the groups gnomAD compares: Admixed American, 0.0017%; no homozygotes.

Submission:

Labcorp Genetics (formerly Invitae), Labcorp
Classification: Uncertain significance for Aicardi-Goutieres syndrome 4. Last evaluated: 2022-10-14. Review status: criteria provided, single submitter. Criteria: Invitae Variant Classification Sherloc (09022015). Collection method: clinical testing. Allele origin: germline.
Comment: In summary, the available evidence is currently insufficient to determine the role of this variant in disease. Therefore, it has been classified as a Variant of Uncertain Significance. Advanced modeling of protein sequence and biophysical properties (such as structural, functional, and spatial information, amino acid conservation, physicochemical variation, residue mobility, and thermodynamic stability) performed at Invitae indicates that this missense variant is not expected to disrupt RNASEH2A protein function. ClinVar contains an entry for this variant (Variation ID: 1364975). This variant has not been reported in the literature in individuals affected with RNASEH2A-related conditions. This variant is not present in population databases (gnomAD no frequency). This sequence change replaces lysine, which is basic and polar, with glutamic acid, which is acidic and polar, at codon 198 of the RNASEH2A protein (p.Lys198Glu).